The following is an entry in ClinVar:

NM_004999.4(MYO6):c.2939G>A (p.Arg980His)

Gene: MYO6 (myosin VI; plus strand). Cytogenetic location: 6q14.1.
Variant type: single nucleotide variant.
Coding change: c.2939G>A on transcript NM_004999.4 (MANE Select); coding-DNA position 2939, G replaced by A.
Protein change: p.Arg980His; replaces arginine 980 with histidine.
Molecular consequence: missense variant. On other transcripts: non-coding transcript variant (1).
Genome position (GRCh38, 1-based): chr6:75,891,299, G>A. VCF-style: chr6-75891299-G-A. GRCh37 (hg19) VCF-style: chr6-76601016-G-A.
Other names: c.2939G>A, p.Arg980His (NM_001300899.2, NM_001368136.1, NM_001368137.1 and 2 more transcripts); c.2924G>A, p.Arg975His (NM_001368138.1); short protein forms R975H, R980H.
Identifiers: ClinVar variation 2419552 (VCV002419552.8), dbSNP rs375397461, ClinGen allele CA3897493.
Genomic context (GRCh38, chr6:75,891,299, plus strand): 5'-TGGAAGCAAAGAGAAAACAAGAAGAAGAAGAGAGAAAGAAAAGGGAAGATGATGAAAAAC[G>A]CATTCAAGTATGTACTTACTGGGTTGAATTTCTATTAAAATGGAACCTACAGGCTGGGTG-3'
Protein context (NP_004990.3, residues 970-990): ERKKREDDEK[Arg980His]IQAEVEAQLA

ClinVar aggregate classification (germline): Conflicting classifications of pathogenicity. Review status: criteria provided, conflicting classifications (1 of 4 stars). 3 submissions from 3 submitters: Uncertain significance (2); Likely benign (1). Last evaluated 2026-09-01.

Conditions:
Autosomal dominant nonsyndromic hearing loss 22. Also called: Autosomal dominant nonsyndromic deafness 22; DFNA 22. Identifiers: Orphanet 228012, MedGen C2931767, MONDO:0011660, OMIM 606346.

Allele frequency attached by ClinVar (database versions not stated): ExAC 0.00003; TOPMed 0.00004; gnomAD 0.00005; ESP Exome Variant Server 0.00008; 1000 Genomes Project 0.00040; 1000 Genomes Project 30x 0.00047.
gnomAD v4.1: 72 of 1,603,424 alleles (0.0045%); highest among the groups gnomAD compares: South Asian, 0.031%; 1 homozygote.

Submissions (3):

CeGaT Center for Human Genetics Tuebingen
Classification: Likely benign. Last evaluated: 2026-09-01. Review status: criteria provided, single submitter. Criteria: CeGaT Center For Human Genetics Tuebingen Variant Classification Criteria Version 2. Collection method: clinical testing. Allele origin: germline. Affected: yes. Observed: 1 variant allele.
Comment: MYO6: BS2

Labcorp Genetics (formerly Invitae), Labcorp
Classification: Uncertain significance. Last evaluated: 2024-07-08. Review status: criteria provided, single submitter. Criteria: Invitae Variant Classification Sherloc (09022015). Collection method: clinical testing. Allele origin: germline.
Comment: This sequence change replaces arginine, which is basic and polar, with histidine, which is basic and polar, at codon 980 of the MYO6 protein (p.Arg980His). This variant is present in population databases (rs375397461, gnomAD 0.04%). This variant has not been reported in the literature in individuals affected with MYO6-related conditions. ClinVar contains an entry for this variant (Variation ID: 2419552). Advanced modeling of protein sequence and biophysical properties (such as structural, functional, and spatial information, amino acid conservation, physicochemical variation, residue mobility, and thermodynamic stability) performed at Invitae indicates that this missense variant is not expected to disrupt MYO6 protein function with a negative predictive value of 80%. In summary, the available evidence is currently insufficient to determine the role of this variant in disease. Therefore, it has been classified as a Variant of Uncertain Significance.

Neuberg Centre For Genomic Medicine, NCGM
Classification: Uncertain significance for Autosomal dominant nonsyndromic hearing loss 22. Review status: criteria provided, single submitter. Criteria: ACMG Guidelines, 2015. Collection method: clinical testing. Allele origin: germline. Inheritance: Autosomal dominant inheritance. Affected: yes.
Comment: The missense variant in c.2939G>A (p.Arg980His) in MYO6 gene has not been reported previously as a pathogenic variant nor as a benign variant, to our knowledge. The p.Arg980His variant is reported with the allele frequency of 0.005717% in gnomAD Exomes and is novel (not in any individuals) in 1000 Genomes. This variant has not been reported to the ClinVar database. The amino acid Arg at position 980 is changed to a His changing protein sequence and it might alter its composition and physico-chemical properties. The variant is predicted to be damaging by SIFT and the residue is conserved across species. The amino acid change p.Arg980His in MYO6 is predicted as conserved by GERP++ and PhyloP across 100 vertebrates. For these reasons, this variant has been classified as Uncertain Significance.